The following is an entry in ClinVar:

NM_172362.3(KCNH1):c.2021G>A (p.Arg674Gln)

Gene: KCNH1 (potassium voltage-gated channel subfamily H member 1; minus strand). Cytogenetic location: 1q32.2.
Variant type: single nucleotide variant.
Coding change: c.2021G>A on transcript NM_172362.3 (MANE Select); coding-DNA position 2021, G replaced by A.
Protein change: p.Arg674Gln; replaces arginine 674 with glutamine.
Molecular consequence: missense variant.
Genome position (GRCh38, 1-based): chr1:210,775,439, C>T on the plus strand (G>A on the coding strand, the complement: KCNH1 is on the minus strand). VCF-style: chr1-210775439-C-T. GRCh37 (hg19) VCF-style: chr1-210948781-C-T.
Other names: c.1940G>A, p.Arg647Gln (NM_002238.4); short protein forms R647Q, R674Q.
Identifiers: ClinVar variation 1501091 (VCV001501091.8), dbSNP rs374450450, ClinGen allele CA1379788.
Genomic context (GRCh38, chr1:210,775,439, plus strand): 5'-TTCCGGGAGAAGGAATGGGAGAAGGCCGTGTAGAATTCCAGCACTTTCTGCAGGGCATCC[C>T]GCTTGATCACATGCAGATCACAGTAGGTCAAGGCCCTAACATTGGCACAGGACTGGGCAA-3'
Protein context (NP_758872.1, residues 664-684): LTYCDLHVIK[Arg674Gln]DALQKVLEFY

ClinVar aggregate classification (germline): Uncertain significance (1 of 4 stars; one submission).

Allele frequency attached by ClinVar (database versions not stated): ExAC 0.00006; gnomAD 0.00004; gnomAD exomes 0.00004 and 0.00002; TOPMed 0.00009; ESP Exome Variant Server 0.00008.
gnomAD v4.1: 30 of 1,613,942 alleles (0.0019%); highest among the groups gnomAD compares: African/African-American, 0.012%; no homozygotes.

Submission:

Labcorp Genetics (formerly Invitae), Labcorp
Classification: Uncertain significance. Last evaluated: 2025-11-12. Review status: criteria provided, single submitter. Criteria: Invitae Variant Classification Sherloc (09022015). Collection method: clinical testing. Allele origin: germline.
Comment: This sequence change replaces arginine, which is basic and polar, with glutamine, which is neutral and polar, at codon 674 of the KCNH1 protein (p.Arg674Gln). This variant is present in population databases (rs374450450, gnomAD 0.05%). This variant has not been reported in the literature in individuals affected with KCNH1-related conditions. ClinVar contains an entry for this variant (Variation ID: 1501091). Invitae Evidence Modeling of protein sequence and biophysical properties (such as structural, functional, and spatial information, amino acid conservation, physicochemical variation, residue mobility, and thermodynamic stability) has been performed for this missense variant. However, the output from this modeling did not meet the statistical confidence thresholds required to predict the impact of this variant on KCNH1 protein function. In summary, the available evidence is currently insufficient to determine the role of this variant in disease. Therefore, it has been classified as a Variant of Uncertain Significance.